The following is an entry in ClinVar:

ClinVar aggregate classification (germline): Uncertain significance. Review status: criteria provided, single submitter (1 of 4 stars). 3 submissions from 3 submitters: Uncertain significance (1). 2 of the submissions do not count toward it. Last evaluated 2025-03-01.

Conditions:
PLXNA3-related disorder. Also called: PLXNA3-related condition.

Allele frequency attached by ClinVar (database versions not stated): ExAC 0.00001; gnomAD 0.00002; gnomAD exomes 0.00002 and 0.00003.

Submissions (3):

PreventionGenetics, part of Exact Sciences
Classification: Uncertain significance for PLXNA3-related condition. Last evaluated: 2025-03-01. Review status: criteria provided, single submitter. Criteria: ACMG Guidelines, 2015. Collection method: clinical testing. Allele origin: germline.
Comment: The PLXNA3 c.1322G>A variant is predicted to result in the amino acid substitution p.Arg441Gln. To our knowledge, this variant has not been reported in the literature. This variant is reported in 0.0063% of alleles in individuals of European (Finnish) descent in gnomAD. At this time, the clinical significance of this variant is uncertain due to the absence of conclusive functional and genetic evidence.

Clinical Genetics DNA and cytogenetics Diagnostics Lab, Erasmus MC, Erasmus Medical Center
Classification: Uncertain significance. Review status: no assertion criteria provided. Collection method: clinical testing. Allele origin: germline. Affected: yes. Study: VKGL Data-share Consensus. Not counted in ClinVar's aggregate classification.

Laboratory of Diagnostic Genome Analysis, Leiden University Medical Center (LUMC)
Classification: Uncertain significance. Review status: no assertion criteria provided. Collection method: clinical testing. Allele origin: germline. Affected: yes. Study: VKGL Data-share Consensus. Not counted in ClinVar's aggregate classification.

NM_017514.5(PLXNA3):c.1322G>A (p.Arg441Gln)

Gene: PLXNA3 (plexin A3; plus strand). Cytogenetic location: Xq28.
Variant type: single nucleotide variant.
Coding change: c.1322G>A on transcript NM_017514.5 (MANE Select); coding-DNA position 1322, G replaced by A.
Protein change: p.Arg441Gln; replaces arginine 441 with glutamine.
Molecular consequence: missense variant.
Genome position (GRCh38, 1-based): chrX:154,463,395, G>A. VCF-style: chrX-154463395-G-A. GRCh37 (hg19) VCF-style: chrX-153691738-G-A.
Other names: c.1322G>A (NM_017514.4); short protein forms R441Q.
Identifiers: ClinVar variation 1206046 (VCV001206046.5), dbSNP rs782247717, ClinGen allele CA10564010.
Genomic context (GRCh38, chrX:154,463,395, plus strand): 5'-GACAGTGTCCCAGGTGCAGGAGGCTGTGGTGGCATCAGGCTGGTCTTGTGGCTCAGGTGC[G>A]GGTCGATGGCTTCCAGGATGCCCACCTGTATGAGACAGTCCCCGTGGTGGATGGCAGCCC-3'
Protein context (NP_059984.3, residues 431-451): GTRSGSLKKV[Arg441Gln]VDGFQDAHLY